The following is an entry in ClinVar:

ClinVar aggregate classification (germline): Likely benign (0 of 4 stars; one submission).

Conditions:
HYAL2-related disorder. Also called: HYAL2-related condition.

Allele frequency attached by ClinVar (database versions not stated): TOPMed 0.00003; gnomAD 0.00005; ESP Exome Variant Server 0.00008.
gnomAD v4.1: 23 of 1,613,246 alleles (0.0014%); highest among the groups gnomAD compares: African/African-American, 0.0053%; no homozygotes.

Submission:

PreventionGenetics, part of Exact Sciences
Classification: Likely benign for HYAL2-related condition. Last evaluated: 2024-06-16. Review status: no assertion criteria provided. Collection method: clinical testing. Allele origin: germline.
Comment: This variant is classified as likely benign based on ACMG/AMP sequence variant interpretation guidelines (Richards et al. 2015 PMID: 25741868, with internal and published modifications).

NM_003773.5(HYAL2):c.993G>A (p.Ala331=)

Gene: HYAL2 (hyaluronidase 2; minus strand). Cytogenetic location: 3p21.31.
Variant type: single nucleotide variant.
Coding change: c.993G>A on transcript NM_003773.5 (MANE Select); coding-DNA position 993, G replaced by A.
Protein change: p.Ala331=; no amino-acid change (alanine 331 retained).
Molecular consequence: synonymous variant.
Genome position (GRCh38, 1-based): chr3:50,318,974, C>T on the plus strand (G>A on the coding strand, the complement: HYAL2 is on the minus strand). VCF-style: chr3-50318974-C-T. GRCh37 (hg19) VCF-style: chr3-50356405-C-T.
Other names: c.993G>A, p.Ala331= (NM_033158.5).
Identifiers: ClinVar variation 3033948 (VCV003033948.2), dbSNP rs149454549, ClinGen allele CA2416168.